The following is an entry in ClinVar:

ClinVar aggregate classification (germline): Uncertain significance (1 of 4 stars; one submission).

Conditions:
Hypokalemic periodic paralysis, type 1. Also called: Hypokalemic Periodic Paralysis Type 1 (AD); HypoPP. Identifiers: Orphanet 681, MedGen C3714580, MONDO:0042979, OMIM 170400.
Malignant hyperthermia, susceptibility to, 5 (MHS5). Also called: CACNA1S-Related Malignant Hyperthermia Susceptibility. Identifiers: Orphanet 423, MedGen C1866077, MONDO:0011163, OMIM 601887.

gnomAD v4.1: 1 of 1,614,134 alleles (0.000062%); highest among the groups gnomAD compares: Non-Finnish European, 0.000085%; no homozygotes.

Submission:

Labcorp Genetics (formerly Invitae), Labcorp
Classification: Uncertain significance for Hypokalemic periodic paralysis, type 1; Malignant hyperthermia, susceptibility to, 5. Last evaluated: 2022-06-20. Review status: criteria provided, single submitter. Criteria: Invitae Variant Classification Sherloc (09022015). Collection method: clinical testing. Allele origin: germline.
Comment: In summary, the available evidence is currently insufficient to determine the role of this variant in disease. Therefore, it has been classified as a Variant of Uncertain Significance. Algorithms developed to predict the effect of missense changes on protein structure and function (SIFT, PolyPhen-2, Align-GVGD) all suggest that this variant is likely to be disruptive. This variant has not been reported in the literature in individuals affected with CACNA1S-related conditions. This variant is not present in population databases (gnomAD no frequency). This sequence change replaces aspartic acid, which is acidic and polar, with glycine, which is neutral and non-polar, at codon 598 of the CACNA1S protein (p.Asp598Gly).

NM_000069.3(CACNA1S):c.1793A>G (p.Asp598Gly)

Gene: CACNA1S (calcium voltage-gated channel subunit alpha1 S; minus strand). Cytogenetic location: 1q32.1.
Variant type: single nucleotide variant.
Coding change: c.1793A>G on transcript NM_000069.3 (MANE Select); coding-DNA position 1793, A replaced by G.
Protein change: p.Asp598Gly; replaces aspartic acid 598 with glycine.
Molecular consequence: missense variant.
Genome position (GRCh38, 1-based): chr1:201,076,954, T>C on the plus strand (A>G on the coding strand, the complement: CACNA1S is on the minus strand). VCF-style: chr1-201076954-T-C. GRCh37 (hg19) VCF-style: chr1-201046082-T-C.
Other names: short protein forms D598G.
Identifiers: ClinVar variation 1355676 (VCV001355676.8), dbSNP rs749475822, ClinGen allele CA344119598.